The following is an entry in ClinVar:

NM_007375.4(TARDBP):c.1009A>G (p.Met337Val)

Gene: TARDBP (TAR DNA binding protein; plus strand). Cytogenetic location: 1p36.22.
Variant type: single nucleotide variant.
Coding change: c.1009A>G on transcript NM_007375.4 (MANE Select); coding-DNA position 1009, A replaced by G.
Protein change: p.Met337Val; replaces methionine 337 with valine.
Molecular consequence: missense variant.
Genome position (GRCh38, 1-based): chr1:11,022,418, A>G. VCF-style: chr1-11022418-A-G. GRCh37 (hg19) VCF-style: chr1-11082475-A-G.
Other names: M337V.
Identifiers: ClinVar variation 5228 (VCV000005228.54), dbSNP rs80356730, ClinGen allele CA340373.

ClinVar aggregate classification (germline): Pathogenic/Likely pathogenic. Review status: criteria provided, multiple submitters, no conflicts (2 of 4 stars). 8 submissions from 8 submitters: Pathogenic (5); Likely pathogenic (1). 2 of the submissions do not count toward it. Last evaluated 2025-10-11.

Conditions:
Amyotrophic lateral sclerosis type 10 (ALS10). Also called: TARDBP-Related Amyotrophic Lateral Sclerosis-Frontotemporal Dementia; AMYOTROPHIC LATERAL SCLEROSIS 10 WITHOUT FRONTOTEMPORAL DEMENTIA AND WITH TDP43 INCLUSIONS; AMYOTROPHIC LATERAL SCLEROSIS 10 WITH OR WITHOUT FRONTOTEMPORAL DEMENTIA AND WITH TDP43 INCLUSIONS; Amyotrophic lateral sclerosis 10, with or without FTD; AMYOTROPHIC LATERAL SCLEROSIS 10 WITH OR WITHOUT FRONTOTEMPORAL DEMENTIA. Identifiers: Orphanet 275872, Orphanet 803, MedGen C2677565, MONDO:0012790, OMIM 612069.
FRONTOTEMPORAL LOBAR DEGENERATION WITH TDP43 INCLUSIONS, TARDBP-RELATED. Also called: Frontotemporal lobar degeneration, TARDBP-related. Identifiers: MedGen C3150169, OMIM 612069.

Allele frequency attached by ClinVar (database versions not stated): gnomAD exomes 0.00001.

Submissions (8):

Medical and Scientific Branch, Hong Kong Genome Institute
Classification: Likely pathogenic for Amyotrophic lateral sclerosis type 10. Last evaluated: 2025-10-11. Review status: criteria provided, single submitter. Criteria: ACMG Guidelines, 2015. Collection method: clinical testing. Allele origin: germline. Affected: yes.

Variantyx, Inc.
Classification: Pathogenic for Amyotrophic lateral sclerosis type 10. Last evaluated: 2025-05-08. Review status: criteria provided, single submitter. Criteria: Variantyx Assertion Criteria 2022. Collection method: clinical testing. Allele origin: germline. Inheritance: Autosomal dominant inheritance. Affected: yes.
Comment: This is a nonsynonymous variant in the TARDBP gene. Pathogenci variants in this gene have been associated with autosomal dominant Amyotrophic lateral sclerosis 10, with or without FTD. This variant has been reported in two unrelated individuals with amyotrophic lateral sclerosis (PMID:28430856, 28709720) (PS4) and segregated with ALS in two families (PMID: 18309045, 20154440) (PP1). This variant is absent from control populations (PM2). Functional studies have shown that this missense variant alters TARDBP protein function (PMID: 18309045, 19465477, 20600671, 23401527, 23827948, 24143176, 24507191) (PS3). Based on this evidence, the variant is classified as pathogenic autosomal dominant Amyotrophic lateral sclerosis 10, with or without FTD.

Labcorp Genetics (formerly Invitae), Labcorp
Classification: Pathogenic for Amyotrophic lateral sclerosis type 10; FRONTOTEMPORAL LOBAR DEGENERATION WITH TDP43 INCLUSIONS, TARDBP-RELATED. Last evaluated: 2024-11-05. Review status: criteria provided, single submitter. Criteria: Invitae Variant Classification Sherloc (09022015). Collection method: clinical testing. Allele origin: germline.
Comment: This sequence change replaces methionine, which is neutral and non-polar, with valine, which is neutral and non-polar, at codon 337 of the TARDBP protein (p.Met337Val). This variant is present in population databases (rs80356730, gnomAD 0.002%). This missense change has been observed in individual(s) with amyotrophic lateral sclerosis (ALS) (PMID: 18309045, 20154440, 28430856, 28709720). It has also been observed to segregate with disease in related individuals. ClinVar contains an entry for this variant (Variation ID: 5228). Invitae Evidence Modeling of protein sequence and biophysical properties (such as structural, functional, and spatial information, amino acid conservation, physicochemical variation, residue mobility, and thermodynamic stability) indicates that this missense variant is not expected to disrupt TARDBP protein function with a negative predictive value of 80%. Experimental studies have shown that this missense change affects TARDBP function (PMID: 18309045, 19465477, 20600671, 23401527, 23827948, 24143176, 24507191). For these reasons, this variant has been classified as Pathogenic.

Department of Neurology-Cell Therapy Center, Hanyang University
Classification: Pathogenic for Amyotrophic lateral sclerosis type 10. Last evaluated: 2023-03-15. Review status: criteria provided, single submitter. Criteria: ACMG Guidelines, 2015. Collection method: clinical testing. Allele origin: germline, unknown. Inheritance: Autosomal dominant inheritance. Affected: yes. Observed: 4 heterozygotes. Clinical features observed: Amyotrophic lateral sclerosis (HP:0007354).
Comment: The Met337Val variant in TARDBP has been reported in Western countries and Asia with autosomal dominant amyotrophic lateral sclerosis, segregated with the disease in over 10 affected relatives (Sreedharan 2008, Kirby 2010, Tamaoka 2010, Xu 2018), and was absent from large population studies. Additionally, studies indicate that the Met337Var variant transgenic mouse presented worsened dose-dependent disease phenotype in terms of motor dysfunction, neurodegeneration, gliosis, and development of ubiquitin and phosphorylated TDP-43 pathology (Janssens 2013). In summary, the Met337Val variant meets our criteria to be classified as pathogenic based upon segregation studies, absence from controls, and functional evidence.

Institute of Medical Genetics and Applied Genomics, University Hospital Tübingen
Classification: Pathogenic. Last evaluated: 2020-10-23. Review status: criteria provided, single submitter. Criteria: ACMG Guidelines, 2015. Collection method: clinical testing. Allele origin: germline. Inheritance: Autosomal dominant inheritance. Affected: yes.

CeGaT Center for Human Genetics Tuebingen
Classification: Pathogenic. Last evaluated: 2019-05-01. Review status: criteria provided, single submitter. Criteria: CeGaT Center For Human Genetics Tuebingen Variant Classification Criteria Version 2. Collection method: clinical testing. Allele origin: germline. Affected: yes. Observed: 1 variant allele.

OMIM
Classification: Pathogenic for AMYOTROPHIC LATERAL SCLEROSIS 10 WITHOUT FRONTOTEMPORAL DEMENTIA AND WITH TDP43 INCLUSIONS. Last evaluated: 2008-03-21. Review status: no assertion criteria provided. Collection method: literature only. Allele origin: germline. Not counted in ClinVar's aggregate classification.

GeneReviews
No classification provided. Condition: Amyotrophic lateral sclerosis type 10. Review status: no classification provided. Collection method: literature only. Allele origin: germline. Affected: yes. Not counted in ClinVar's aggregate classification.
Comment: Convincing evidence of segregation.

Literature cited by the submitters: PubMed 28430856 (cited by 3 submitters); PubMed 28709720 (cited by 3 submitters); PubMed 18309045 (cited by 4 submitters); PubMed 20154440 (cited by 3 submitters); PubMed 19465477 (cited by 3 submitters); PubMed 20600671 (cited by 3 submitters); PubMed 23401527 (cited by 3 submitters); PubMed 23827948 (cited by 3 submitters); PubMed 24143176 (cited by 3 submitters); PubMed 24507191 (cited by 3 submitters); NCBI Bookshelf NBK5942 (cited by GeneReviews).